The following is an entry in ClinVar:

NC_000020.11:g.34999570GAG[1]

Gene: MYH7B (myosin heavy chain 7B; plus strand). Cytogenetic location: 20q11.22.
Variant type: Microsatellite.
Genome position: GRCh38 VCF-style: chr20-34999569-AGAG-A. GRCh37 (hg19) VCF-style: chr20-33587372-AGAG-A.
Identifiers: ClinVar variation 1486260 (VCV001486260.6), dbSNP rs756034459, ClinGen allele CA9828161.

ClinVar aggregate classification (germline): Uncertain significance (1 of 4 stars; one submission).

Submission:

Labcorp Genetics (formerly Invitae), Labcorp
Classification: Uncertain significance. Last evaluated: 2025-12-30. Review status: criteria provided, single submitter. Criteria: Invitae Variant Classification Sherloc (09022015). Collection method: clinical testing. Allele origin: germline.
Comment: This variant, c.4669_4671del, results in the deletion of 1 amino acid(s) of the MYH7B protein (p.Glu1557del), but otherwise preserves the integrity of the reading frame. This variant is present in population databases (rs756034459, gnomAD 0.009%). This variant has not been reported in the literature in individuals affected with MYH7B-related conditions. Experimental studies and prediction algorithms are not available or were not evaluated, and the functional significance of this variant is currently unknown. Algorithms developed to predict the effect of sequence changes on RNA splicing suggest that this variant may disrupt the consensus splice site. In summary, the available evidence is currently insufficient to determine the role of this variant in disease. Therefore, it has been classified as a Variant of Uncertain Significance.